The following is an entry in ClinVar:

ClinVar aggregate classification (germline): Conflicting classifications of pathogenicity. Review status: criteria provided, conflicting classifications (1 of 4 stars). 5 submissions from 5 submitters: Pathogenic (2); Likely pathogenic (2); Uncertain significance (1). Last evaluated 2026-02-05.

Conditions:
Spermatogenic failure 18. Identifiers: MedGen C4539783, MONDO:0054615, OMIM 617576.
Ciliary dyskinesia, primary, 37 (CILD37). Also called: CILIARY DYSKINESIA, PRIMARY, 37, WITH OR WITHOUT SITUS INVERSUS. Identifiers: MedGen C4539798, MONDO:0033204, OMIM 617577.
DNAH1-related disorders.
DNAH1-related disorder. Also called: DNAH1-related condition.
Primary ciliary dyskinesia 7. Also called: CILIARY DYSKINESIA, PRIMARY, 7, WITH OR WITHOUT SITUS INVERSUS. Identifiers: Orphanet 244, MedGen C2678473, MONDO:0012748, OMIM 611884.

Submissions (5):

Clinical Genetics and Genomics, Karolinska University Hospital
Classification: Pathogenic for Primary ciliary dyskinesia 7. Last evaluated: 2026-02-05. Review status: criteria provided, single submitter. Criteria: ACMG Guidelines, 2015. Collection method: clinical testing. Allele origin: germline. Inheritance: Autosomal recessive inheritance. Affected: yes.

GeneDx
Classification: Uncertain significance. Last evaluated: 2025-10-14. Review status: criteria provided, single submitter. Criteria: GeneDx Variant Classification Process June 2021. Collection method: clinical testing. Allele origin: germline.
Comment: Frameshift variant predicted to result in protein truncation or nonsense mediated decay in a gene for which loss of function is a known mechanism of disease; Has not been previously published as pathogenic or benign to our knowledge

Labcorp Genetics (formerly Invitae), Labcorp
Classification: Pathogenic for Ciliary dyskinesia, primary, 37; Spermatogenic failure 18. Last evaluated: 2025-09-14. Review status: criteria provided, single submitter. Criteria: Invitae Variant Classification Sherloc (09022015). Collection method: clinical testing. Allele origin: germline.
Comment: This sequence change creates a premature translational stop signal (p.Asp638Glyfs*10) in the DNAH1 gene. It is expected to result in an absent or disrupted protein product. Loss-of-function variants in DNAH1 are known to be pathogenic (PMID: 27573432, 27798045). This variant is present in population databases (rs557979163, gnomAD 0.03%). This variant has not been reported in the literature in individuals affected with DNAH1-related conditions. ClinVar contains an entry for this variant (Variation ID: 478375). For these reasons, this variant has been classified as Pathogenic.

PreventionGenetics, part of Exact Sciences
Classification: Likely pathogenic for DNAH1-related condition. Last evaluated: 2024-12-30. Review status: criteria provided, single submitter. Criteria: ACMG Guidelines, 2015. Collection method: clinical testing. Allele origin: germline.
Comment: The DNAH1 c.1912_1913insGG variant is predicted to result in a frameshift and premature protein termination (p.Asp638Glyfs*10). To our knowledge, this variant has not been reported in the literature. This variant is reported in 0.034% of alleles in individuals of European (Non-Finnish) descent in gnomAD. Frameshift variants in DNAH1 are expected to be pathogenic. This variant is interpreted as likely pathogenic.

Blueprint Genetics
Classification: Likely pathogenic for DNAH1-related disorders. Last evaluated: 2024-05-23. Review status: criteria provided, single submitter. Criteria: ACMG Guidelines, 2015. Collection method: clinical testing. Allele origin: germline. Affected: yes. Observed: 5 variant alleles.

Literature cited by the submitters: PubMed 27573432 (cited by Labcorp Genetics (formerly Invitae), Labcorp); PubMed 27798045 (cited by Labcorp Genetics (formerly Invitae), Labcorp).

NM_015512.5(DNAH1):c.1912_1913insGG (p.Asp638fs)

Gene: DNAH1 (dynein axonemal heavy chain 1; plus strand). Cytogenetic location: 3p21.1.
Variant type: Insertion.
Coding change: c.1912_1913insGG on transcript NM_015512.5 (MANE Select); coding-DNA positions 1912 to 1913, GG inserted.
Protein change: p.Asp638fs; shifts the reading frame from aspartic acid 638.
Molecular consequence: frameshift variant.
Genome position: GRCh38 VCF-style: chr3-52346726-C-CGG. GRCh37 (hg19) VCF-style: chr3-52380742-C-CGG.
Other names: short protein forms D638fs.
Identifiers: ClinVar variation 478375 (VCV000478375.11), dbSNP rs557979163, ClinGen allele CA2433080.